The following is an entry in ClinVar:

NM_000138.5(FBN1):c.574A>G (p.Asn192Asp)

Gene: FBN1 (fibrillin 1; minus strand). Cytogenetic location: 15q21.1.
Variant type: single nucleotide variant.
Coding change: c.574A>G on transcript NM_000138.5 (MANE Select); coding-DNA position 574, A replaced by G.
Protein change: p.Asn192Asp; replaces asparagine 192 with aspartic acid.
Molecular consequence: missense variant.
Genome position (GRCh38, 1-based): chr15:48,537,773, T>C on the plus strand (A>G on the coding strand, the complement: FBN1 is on the minus strand). VCF-style: chr15-48537773-T-C. GRCh37 (hg19) VCF-style: chr15-48829970-T-C.
Other names: c.574A>G, p.Asn192Asp (NM_001406716.1, NM_001406717.1); short protein forms N192D.
Identifiers: ClinVar variation 3849170 (VCV003849170.2).

ClinVar aggregate classification (germline): Uncertain significance. Review status: criteria provided, multiple submitters, no conflicts (2 of 4 stars). 2 submissions from 2 submitters: Uncertain significance (2). Last evaluated 2025-02-21.

Conditions:
Familial thoracic aortic aneurysm and aortic dissection (TAAD). Also called: Thoracic aortic aneurysms and dissections. Identifiers: Orphanet 91387, MedGen C4707243, MONDO:0019625.

Submissions (2):

GeneDx
Classification: Uncertain significance. Last evaluated: 2025-02-21. Review status: criteria provided, single submitter. Criteria: GeneDx Variant Classification Process June 2021. Collection method: clinical testing. Allele origin: germline. Affected: yes.
Comment: Not observed at significant frequency in large population cohorts (gnomAD); In silico analysis supports that this missense variant has a deleterious effect on protein structure/function; Has not been previously published as pathogenic or benign to our knowledge; Does not affect a cysteine or calcium-binding residue within an EGF-like domain or a TGF-binding protein domain of the FBN1 gene; cysteine substitutions in the EGF-like domains represent the majority of pathogenic missense changes associated with FBN1-related disorders (PMID: 12938084); This variant is associated with the following publications: (PMID: 12938084)

Ambry Genetics
Classification: Uncertain significance for Familial thoracic aortic aneurysm and aortic dissection. Last evaluated: 2025-01-08. Review status: criteria provided, single submitter. Criteria: Ambry Variant Classification Scheme 2023. Collection method: clinical testing. Allele origin: germline.
Comment: The p.N192D variant (also known as c.574A>G), located in coding exon 6 of the FBN1 gene, results from an A to G substitution at nucleotide position 574. The asparagine at codon 192 is replaced by aspartic acid, an amino acid with highly similar properties. This amino acid position is highly conserved in available vertebrate species. In addition, the in silico prediction for this alteration is inconclusive. Based on the available evidence, the clinical significance of this variant remains unclear.